The following is an entry in ClinVar:

ClinVar aggregate classification (germline): Uncertain significance. Review status: criteria provided, multiple submitters, no conflicts (2 of 4 stars). 2 submissions from 2 submitters: Uncertain significance (2). Last evaluated 2024-03-25.

Submissions (2):

Genomic Medicine Center of Excellence, King Faisal Specialist Hospital and Research Centre
Classification: Uncertain significance. Last evaluated: 2024-03-25. Review status: criteria provided, single submitter. Criteria: ACMG Guidelines, 2015. Collection method: clinical testing. Allele origin: germline.

Ambry Genetics
Classification: Uncertain significance. Last evaluated: 2014-12-19. Review status: criteria provided, single submitter. Criteria: Ambry Variant Classification Scheme 2023. Collection method: clinical testing. Allele origin: germline.
Comment: The p.S51I variant (also known as c.152G>T), located in coding exon 3 of the GBA gene, results from a G to T substitution at nucleotide position 152. The serine at codon 51 is replaced by isoleucine, an amino acid with dissimilar properties. This alteration was described as having a mild presentation of disease, but clinical description of affected individuals was not provided (Beutler E et al. Blood Cells Mol Dis.2005;35(3):355-64). This variant was not reported in population based cohorts in the following databases: Database of Single Nucleotide Polymorphisms (dbSNP), NHLBI Exome Sequencing Project (ESP), and 1000 Genomes Project. In the ESP, this variant was not observed in 6,503 samples (13,006 alleles) with coverage at this position. This amino acid position is conserved through mammals. In addition, this alteration is predicted to be possibly damaging and tolerated by PolyPhen and SIFT in silico analyses, respectively. Since supporting evidence is limited at this time, the clinical significance of this variant remains unclear.

Literature cited by the submitters: PubMed 16185900 (cited by Ambry Genetics).

NM_000157.4(GBA1):c.152G>T (p.Ser51Ile)

Genes: GBA1 (glucosylceramidase beta 1; minus strand), LOC106627981 (GBA recombination region; plus strand). Cytogenetic location: 1q22.
Variant type: single nucleotide variant.
Coding change: c.152G>T on transcript NM_000157.4 (MANE Select); coding-DNA position 152, G replaced by T.
Protein change: p.Ser51Ile; replaces serine 51 with isoleucine.
Molecular consequence: missense variant. On other transcripts: 5 prime UTR variant (1).
Genome position (GRCh38, 1-based): chr1:155,240,041, C>A on the plus strand (G>T on the coding strand, the complement: GBA1 is on the minus strand). VCF-style: chr1-155240041-C-A. GRCh37 (hg19) VCF-style: chr1-155209832-C-A.
Other names: c.152G>T, p.Ser51Ile (NM_001005741.3, NM_001005742.3, NM_001171812.2); c.-110G>T (NM_001171811.2); short protein forms S51I.
Identifiers: ClinVar variation 1800141 (VCV001800141.3), dbSNP rs2524847580, ClinGen allele CA342728346.